The following is an entry in ClinVar:

NM_005861.4(STUB1):c.145T>G (p.Tyr49Asp)

Gene: STUB1 (STIP1 homology and U-box containing protein 1; plus strand). Cytogenetic location: 16p13.3.
Variant type: single nucleotide variant.
Coding change: c.145T>G on transcript NM_005861.4 (MANE Select); coding-DNA position 145, T replaced by G.
Protein change: p.Tyr49Asp; replaces tyrosine 49 with aspartic acid.
Molecular consequence: missense variant. On other transcripts: 5 prime UTR variant (1).
Genome position (GRCh38, 1-based): chr16:680,670, T>G. VCF-style: chr16-680670-T-G. GRCh37 (hg19) VCF-style: chr16-730670-T-G.
Other names: c.-161T>G (NM_001293197.2); short protein forms Y49D.
Identifiers: ClinVar variation 2832226 (VCV002832226.3), dbSNP rs2543800831, ClinGen allele CA394110061.
Genomic context (GRCh38, chr16:680,670, plus strand): 5'-CTCAAGGAGCAGGGCAATCGTCTGTTCGTGGGCCGAAAGTACCCGGAGGCGGCGGCCTGC[T>G]ACGGCCGCGCGATCGTGAGTGCGCCCGCGCGGGGAGGGCGGCGGCGGTGGCACCGGGGAG-3'
Protein context (NP_005852.2, residues 39-59): GRKYPEAAAC[Tyr49Asp]GRAITRNPLV

ClinVar aggregate classification (germline): Uncertain significance (1 of 4 stars; one submission).

Submission:

Labcorp Genetics (formerly Invitae), Labcorp
Classification: Uncertain significance. Last evaluated: 2023-01-26. Review status: criteria provided, single submitter. Criteria: Invitae Variant Classification Sherloc (09022015). Collection method: clinical testing. Allele origin: germline.
Comment: This variant is not present in population databases (gnomAD no frequency). This sequence change replaces tyrosine, which is neutral and polar, with aspartic acid, which is acidic and polar, at codon 49 of the STUB1 protein (p.Tyr49Asp). This variant has not been reported in the literature in individuals affected with STUB1-related conditions. In summary, the available evidence is currently insufficient to determine the role of this variant in disease. Therefore, it has been classified as a Variant of Uncertain Significance. This variant disrupts the Tyr49 amino acid residue in STUB1. Other variant(s) that disrupt this residue have been determined to be pathogenic (PMID: 32713943, 33417001, 33624863). This suggests that this residue is clinically significant, and that variants that disrupt this residue are likely to be disease-causing. Advanced modeling of protein sequence and biophysical properties (such as structural, functional, and spatial information, amino acid conservation, physicochemical variation, residue mobility, and thermodynamic stability) performed at Invitae indicates that this missense variant is expected to disrupt STUB1 protein function.

Literature cited by the submitters: PubMed 32713943; PubMed 33417001; PubMed 33624863.